The following is an entry in ClinVar:

ClinVar aggregate classification (germline): Conflicting classifications of pathogenicity. Review status: criteria provided, conflicting classifications (1 of 4 stars). 3 submissions from 3 submitters: Uncertain significance (1); Likely benign (2). Last evaluated 2024-02-15.

Conditions:
Pyridoxine-dependent epilepsy (EPEO4). Also called: Pyridoxine-Dependent Epilepsy - ALDH7A1; PYRIDOXINE DEPENDENCY WITH SEIZURES; Pyridoxine-Dependent Seizures; EPILEPSY, EARLY-ONSET, 4, VITAMIN B6-DEPENDENT. Identifiers: Orphanet 3006, MedGen C1849508, MONDO:0009945, OMIM 266100. Disease mechanism: loss of function.

Allele frequency attached by ClinVar (database versions not stated): 1000 Genomes Project 30x 0.00016; gnomAD 0.00018 and 0.00019.

Submissions (6):

Blueprint Genetics
Classification: Likely benign. Last evaluated: 2024-02-15. Review status: criteria provided, single submitter. Criteria: ACMG Guidelines, 2015. Collection method: clinical testing. Allele origin: germline.

Labcorp Genetics (formerly Invitae), Labcorp
Classification: Uncertain significance for Pyridoxine-dependent epilepsy. Last evaluated: 2022-07-19. Review status: criteria provided, single submitter. Criteria: Invitae Variant Classification Sherloc (09022015). Collection method: clinical testing. Allele origin: germline.
Comment: This sequence change falls in intron 2 of the ALDH7A1 gene. It does not directly change the encoded amino acid sequence of the ALDH7A1 protein. It affects a nucleotide within the consensus splice site. The frequency data for this variant in the population databases is considered unreliable, as metrics indicate poor data quality at this position in the gnomAD database. This variant has not been reported in the literature in individuals affected with ALDH7A1-related conditions. ClinVar contains an entry for this variant (Variation ID: 465327). Variants that disrupt the consensus splice site are a relatively common cause of aberrant splicing (PMID: 17576681, 9536098). Algorithms developed to predict the effect of sequence changes on RNA splicing suggest that this variant is not likely to affect RNA splicing. In summary, the available evidence is currently insufficient to determine the role of this variant in disease. Therefore, it has been classified as a Variant of Uncertain Significance.

GeneDx
Classification: Likely benign. Last evaluated: 2020-12-21. Review status: criteria provided, single submitter. Criteria: GeneDx Variant Classification Process June 2021. Collection method: clinical testing. Allele origin: germline. Affected: yes.

Dr. Peter K. Rogan Lab, Western University
No classification provided (evidence only). Condition: Familial cancer of breast. Review status: no classification provided. Collection method: in vitro. Allele origin: not applicable. Functional consequence: retained intron. Not counted in ClinVar's aggregate classification.

Dr. Peter K. Rogan Lab, Western University
No classification provided (evidence only). Condition: Thymoma. Review status: no classification provided. Collection method: in vitro. Allele origin: not applicable. Functional consequence: retained intron. Not counted in ClinVar's aggregate classification.

Dr. Peter K. Rogan Lab, Western University
No classification provided (evidence only). Condition: Gastric cancer. Review status: no classification provided. Collection method: in vitro. Allele origin: not applicable. Functional consequence: retained intron. Not counted in ClinVar's aggregate classification.

Literature cited by the submitters: PubMed 17576681 (cited by Labcorp Genetics (formerly Invitae), Labcorp); PubMed 9536098 (cited by Labcorp Genetics (formerly Invitae), Labcorp).

NM_001182.5(ALDH7A1):c.246+6A>T

Gene: ALDH7A1 (aldehyde dehydrogenase 7 family member A1; minus strand). Cytogenetic location: 5q23.2.
Variant type: single nucleotide variant.
Coding change: c.246+6A>T on transcript NM_001182.5 (MANE Select); 6 bases into the intron after coding-DNA position 246, A replaced by T.
Molecular consequence: intron variant.
Genome position (GRCh38, 1-based): chr5:126,593,345, T>A on the plus strand (A>T on the coding strand, the complement: ALDH7A1 is on the minus strand). VCF-style: chr5-126593345-T-A. GRCh37 (hg19) VCF-style: chr5-125929037-T-A.
Other names: c.246+6A>T (NM_001202404.2); c.162+6A>T (NM_001201377.2).
Identifiers: ClinVar variation 465327 (VCV000465327.12), dbSNP rs759910341, ClinGen allele CA3389852.
Genomic context (GRCh38, chr5:126,593,345, plus strand): 5'-CTCCTTGTGTATAATTTGAATTAAACACACACACACACACACACACACACACACACACAC[T>A]CTTACCTGTCGGACTCTTGCTATTGGCTCGTTGTTAGCAGGGCAATAGGTCGTAATAACC-3'